The following is an entry in ClinVar:

NM_032608.7(MYO18B):c.120A>C (p.Gln40His)

Gene: MYO18B (myosin XVIIIB; plus strand). Cytogenetic location: 22q12.1.
Variant type: single nucleotide variant.
Coding change: c.120A>C on transcript NM_032608.7 (MANE Select); coding-DNA position 120, A replaced by C.
Protein change: p.Gln40His; replaces glutamine 40 with histidine.
Molecular consequence: missense variant.
Genome position (GRCh38, 1-based): chr22:25,763,311, A>C. VCF-style: chr22-25763311-A-C. GRCh37 (hg19) VCF-style: chr22-26159278-A-C.
Other names: c.120A>C, p.Gln40His (NM_001318245.2); c.120A>C (NM_032608.5); short protein forms Q40H.
Identifiers: ClinVar variation 2022667 (VCV002022667.6), dbSNP rs375181150, ClinGen allele CA10159495.

ClinVar aggregate classification (germline): Uncertain significance. Review status: criteria provided, multiple submitters, no conflicts (2 of 4 stars). 3 submissions from 3 submitters: Uncertain significance (3). Last evaluated 2023-12-28.

Conditions:
Inborn genetic diseases. Identifiers: MedGen C0950123, MeSH D030342.

Allele frequency attached by ClinVar (database versions not stated): gnomAD exomes below 0.00001; ExAC 0.00001; gnomAD 0.00001; ESP Exome Variant Server 0.00008.
gnomAD v4.1: 4 of 1,613,148 alleles (0.00025%); highest among the groups gnomAD compares: Middle Eastern, 0.049%; no homozygotes.

Submissions (3):

Ambry Genetics
Classification: Uncertain significance for Inborn genetic diseases. Last evaluated: 2023-12-28. Review status: criteria provided, single submitter. Criteria: Ambry Variant Classification Scheme 2023. Collection method: clinical testing. Allele origin: germline.

Blueprint Genetics
Classification: Uncertain significance. Last evaluated: 2023-01-12. Review status: criteria provided, single submitter. Criteria: ACMG Guidelines, 2015. Collection method: clinical testing. Allele origin: germline.

Labcorp Genetics (formerly Invitae), Labcorp
Classification: Uncertain significance. Last evaluated: 2022-03-13. Review status: criteria provided, single submitter. Criteria: Invitae Variant Classification Sherloc (09022015). Collection method: clinical testing. Allele origin: germline.
Comment: In summary, the available evidence is currently insufficient to determine the role of this variant in disease. Therefore, it has been classified as a Variant of Uncertain Significance. Algorithms developed to predict the effect of missense changes on protein structure and function are either unavailable or do not agree on the potential impact of this missense change (SIFT: "Not Available"; PolyPhen-2: "Probably Damaging"; Align-GVGD: "Not Available"). This variant has not been reported in the literature in individuals affected with MYO18B-related conditions. This variant is present in population databases (rs375181150, gnomAD 0.004%). This sequence change replaces glutamine, which is neutral and polar, with histidine, which is basic and polar, at codon 40 of the MYO18B protein (p.Gln40His).